The following is an entry in ClinVar:

NM_003816.3(ADAM9):c.863G>A (p.Arg288Gln)

Gene: ADAM9 (ADAM metallopeptidase domain 9; plus strand). Cytogenetic location: 8p11.22.
Variant type: single nucleotide variant.
Coding change: c.863G>A on transcript NM_003816.3 (MANE Select); coding-DNA position 863, G replaced by A.
Protein change: p.Arg288Gln; replaces arginine 288 with glutamine.
Molecular consequence: missense variant. On other transcripts: non-coding transcript variant (3).
Genome position (GRCh38, 1-based): chr8:39,023,274, G>A. VCF-style: chr8-39023274-G-A. GRCh37 (hg19) VCF-style: chr8-38880793-G-A.
Other names: short protein forms R288Q.
Identifiers: ClinVar variation 2074382 (VCV002074382.1), dbSNP rs772397709, ClinGen allele CA4721462.
Genomic context (GRCh38, chr8:39,023,274, plus strand): 5'-GAAACCTGATCAACATAGTTGGGGGTGCTGGTGATGTGCTGGGGAACTTCGTGCAGTGGC[G>A]GGAAAAGTTTCTTATCACACGTCGGAGACATGACAGTGCACAGCTAGTTCTGTAAGTATT-3'
Protein context (NP_003807.1, residues 278-298): GDVLGNFVQW[Arg288Gln]EKFLITRRRH

ClinVar aggregate classification (germline): Uncertain significance (1 of 4 stars; one submission).

Allele frequency attached by ClinVar (database versions not stated): gnomAD 0.00001; gnomAD exomes 0.00001; TOPMed 0.00001; ExAC 0.00002.
gnomAD v4.1: 12 of 1,613,168 alleles (0.00074%); highest among the groups gnomAD compares: South Asian, 0.0022%; no homozygotes.

Submission:

Labcorp Genetics (formerly Invitae), Labcorp
Classification: Uncertain significance. Last evaluated: 2022-04-29. Review status: criteria provided, single submitter. Criteria: Invitae Variant Classification Sherloc (09022015). Collection method: clinical testing. Allele origin: germline.
Comment: This sequence change replaces arginine, which is basic and polar, with glutamine, which is neutral and polar, at codon 288 of the ADAM9 protein (p.Arg288Gln). This variant is present in population databases (rs772397709, gnomAD 0.003%). This variant has not been reported in the literature in individuals affected with ADAM9-related conditions. Algorithms developed to predict the effect of missense changes on protein structure and function (SIFT, PolyPhen-2, Align-GVGD) all suggest that this variant is likely to be disruptive. In summary, the available evidence is currently insufficient to determine the role of this variant in disease. Therefore, it has been classified as a Variant of Uncertain Significance.